The following is an entry in ClinVar:

ClinVar aggregate classification (germline): Uncertain significance (1 of 4 stars; one submission).

Submission:

Labcorp Genetics (formerly Invitae), Labcorp
Classification: Uncertain significance. Last evaluated: 2023-12-20. Review status: criteria provided, single submitter. Criteria: Invitae Variant Classification Sherloc (09022015). Collection method: clinical testing. Allele origin: germline.
Comment: This sequence change replaces proline, which is neutral and non-polar, with threonine, which is neutral and polar, at codon 1499 of the COL7A1 protein (p.Pro1499Thr). This variant is not present in population databases (gnomAD no frequency). This variant has not been reported in the literature in individuals affected with COL7A1-related conditions. Advanced modeling of protein sequence and biophysical properties (such as structural, functional, and spatial information, amino acid conservation, physicochemical variation, residue mobility, and thermodynamic stability) performed at Invitae indicates that this missense variant is not expected to disrupt COL7A1 protein function with a negative predictive value of 95%. In summary, the available evidence is currently insufficient to determine the role of this variant in disease. Therefore, it has been classified as a Variant of Uncertain Significance.

NM_000094.4(COL7A1):c.4495C>A (p.Pro1499Thr)

Gene: COL7A1 (collagen type VII alpha 1 chain; minus strand). Cytogenetic location: 3p21.31.
Variant type: single nucleotide variant.
Coding change: c.4495C>A on transcript NM_000094.4 (MANE Select); coding-DNA position 4495, C replaced by A.
Protein change: p.Pro1499Thr; replaces proline 1499 with threonine.
Molecular consequence: missense variant.
Genome position (GRCh38, 1-based): chr3:48,583,036, G>T on the plus strand (C>A on the coding strand, the complement: COL7A1 is on the minus strand). VCF-style: chr3-48583036-G-T. GRCh37 (hg19) VCF-style: chr3-48620469-G-T.
Other names: short protein forms P1499T.
Identifiers: ClinVar variation 2795205 (VCV002795205.3), dbSNP rs2044889313, ClinGen allele CA352689330.
Genomic context (GRCh38, chr3:48,583,036, plus strand): 5'-GGTCAGCTGGTATGAGCATTGCAGCCAGTGGGTTTACCCGGGATCCCGCTGGGCCTGGGG[G>T]TCCACGTTCGCCCTGATGGAAAAGAAGAGGTCAGAGCTGAGTTGGGCCCAGATCCTCCAG-3'
Protein context (NP_000085.1, residues 1489-1509): GEAGEKGERG[Pro1499Thr]PGPAGSRGLP